The following is an entry in ClinVar:

ClinVar aggregate classification (germline): Uncertain significance. Review status: criteria provided, multiple submitters, no conflicts (2 of 4 stars). 2 submissions from 2 submitters: Uncertain significance (2). Last evaluated 2023-09-13.

Conditions:
Beck-Fahrner syndrome (BEFAHRS). Identifiers: Orphanet 684216, MedGen C5394097, MONDO:0032922, OMIM 618798.

Allele frequency attached by ClinVar (database versions not stated): gnomAD exomes below 0.00001.

Submissions (2):

Revvity Omics, Revvity
Classification: Uncertain significance for Beck-Fahrner syndrome. Last evaluated: 2023-09-13. Review status: criteria provided, single submitter. Criteria: ACMG Guidelines, 2015. Collection method: clinical testing. Allele origin: germline.

GeneDx
Classification: Uncertain significance. Last evaluated: 2022-04-25. Review status: criteria provided, single submitter. Criteria: GeneDx Variant Classification Process June 2021. Collection method: clinical testing. Allele origin: germline. Affected: yes.
Comment: Not observed at significant frequency in large population cohorts (gnomAD); In silico analysis supports that this missense variant does not alter protein structure/function; Has not been previously published as pathogenic or benign to our knowledge

NM_001287491.2(TET3):c.1255C>T (p.Pro419Ser)

Gene: TET3 (tet methylcytosine dioxygenase 3; plus strand). Cytogenetic location: 2p13.1.
Variant type: single nucleotide variant.
Coding change: c.1255C>T on transcript NM_001287491.2 (MANE Select); coding-DNA position 1255, C replaced by T.
Protein change: p.Pro419Ser; replaces proline 419 with serine.
Molecular consequence: missense variant.
Genome position (GRCh38, 1-based): chr2:74,047,172, C>T. VCF-style: chr2-74047172-C-T. GRCh37 (hg19) VCF-style: chr2-74274299-C-T.
Other names: c.976C>T, p.Pro326Ser (NM_001366022.1); c.850C>T, p.Pro284Ser (NM_144993.1); short protein forms P284S, P326S, P419S.
Identifiers: ClinVar variation 1712535 (VCV001712535.3), dbSNP rs2467433885, ClinGen allele CA347327339.